The following is an entry in ClinVar:

NM_000257.4(MYH7):c.1332T>C (p.Asn444=)

Gene: MYH7 (myosin heavy chain 7; minus strand). Cytogenetic location: 14q11.2.
Variant type: single nucleotide variant.
Coding change: c.1332T>C on transcript NM_000257.4 (MANE Select); coding-DNA position 1332, T replaced by C.
Protein change: p.Asn444=; no amino-acid change (asparagine 444 retained).
Molecular consequence: synonymous variant.
Genome position (GRCh38, 1-based): chr14:23,429,030, A>G on the plus strand (T>C on the coding strand, the complement: MYH7 is on the minus strand). VCF-style: chr14-23429030-A-G. GRCh37 (hg19) VCF-style: chr14-23898239-A-G.
Identifiers: ClinVar variation 42836 (VCV000042836.23), dbSNP rs397516099, ClinGen allele CA010594.

ClinVar aggregate classification (germline): Likely benign. Review status: criteria provided, multiple submitters, no conflicts (2 of 4 stars). 8 submissions from 8 submitters: Likely benign (7). 1 of the submissions does not count toward it. Last evaluated 2026-06-08.

Conditions:
Hypertrophic cardiomyopathy. Also called: HYPERTROPHIC MYOCARDIOPATHY. Identifiers: Orphanet 217569, MedGen C0007194, MeSH D002312, MONDO:0005045, HP:0001639.
Cardiovascular phenotype. Identifiers: MedGen CN230736.
Cardiomyopathy (CMYO). Also called: Cardiomyopathies. Identifiers: Orphanet 167848, MedGen C0878544, MONDO:0004994, HP:0001638. Inheritance: Various modes of inheritance.

Allele frequency attached by ClinVar (database versions not stated): gnomAD 0.00004 and 0.00003; gnomAD exomes 0.00001; TOPMed 0.00002.

Submissions (8):

Women's Health and Genetics/Laboratory Corporation of America, LabCorp
Classification: Likely benign. Last evaluated: 2026-06-08. Review status: criteria provided, single submitter. Criteria: LabCorp Variant Classification Summary - May 2015. Collection method: clinical testing. Allele origin: germline.

Labcorp Genetics (formerly Invitae), Labcorp
Classification: Likely benign for Hypertrophic cardiomyopathy. Last evaluated: 2026-01-04. Review status: criteria provided, single submitter. Criteria: Invitae Variant Classification Sherloc (09022015). Collection method: clinical testing. Allele origin: germline.

All of Us Research Program, National Institutes of Health
Classification: Likely benign for Cardiomyopathy. Last evaluated: 2024-01-11. Review status: criteria provided, single submitter. Criteria: ACMG Guidelines, 2015. Collection method: clinical testing. Allele origin: germline. Inheritance: Autosomal dominant inheritance. Observed: 6 variant alleles, 6 heterozygotes.
Comment: This study involves interpretation of variants in research participants for the purpose of population health screening. Participant phenotype was not available at the time of variant classification. Additional details can be found in publication PMID: 35346344, PMCID: PMC8962531

Ambry Genetics
Classification: Likely benign for Cardiovascular phenotype. Last evaluated: 2022-05-17. Review status: criteria provided, single submitter. Criteria: Ambry Variant Classification Scheme 2023. Collection method: clinical testing. Allele origin: germline.

Color Diagnostics, LLC DBA Color Health
Classification: Likely benign for Cardiomyopathy. Last evaluated: 2021-10-01. Review status: criteria provided, single submitter. Criteria: ACMG Guidelines, 2015. Collection method: clinical testing. Allele origin: germline.

GeneDx
Classification: Likely benign. Last evaluated: 2018-04-23. Review status: criteria provided, single submitter. Criteria: GeneDx Variant Classification (06012015). Collection method: clinical testing. Allele origin: germline. Affected: yes.
Comment: This variant is considered likely benign or benign based on one or more of the following criteria: it is a conservative change, it occurs at a poorly conserved position in the protein, it is predicted to be benign by multiple in silico algorithms, and/or has population frequency not consistent with disease.

Laboratory for Molecular Medicine, Mass General Brigham Personalized Medicine
Classification: Likely benign. Last evaluated: 2008-10-15. Review status: criteria provided, single submitter. Criteria: LMM Criteria. Collection method: clinical testing. Allele origin: germline. Observed: 1 variant allele.

Cohesion Phenomics
Classification: Benign for Hypertrophic Cardiomyopathy. Last evaluated: 2022-09-27. Review status: no assertion criteria provided. Criteria: ACMG Guidelines, 2015. Collection method: clinical testing. Allele origin: germline. Affected: yes. Not counted in ClinVar's aggregate classification.